The following is an entry in ClinVar:

NM_001286445.3(RIPOR2):c.521C>G (p.Ala174Gly)

Gene: RIPOR2 (RHO family interacting cell polarization regulator 2; minus strand). Cytogenetic location: 6p22.3.
Variant type: single nucleotide variant.
Coding change: c.521C>G on transcript NM_001286445.3 (MANE Select); coding-DNA position 521, C replaced by G.
Protein change: p.Ala174Gly; replaces alanine 174 with glycine.
Molecular consequence: missense variant.
Genome position (GRCh38, 1-based): chr6:24,865,431, G>C on the plus strand (C>G on the coding strand, the complement: RIPOR2 is on the minus strand). VCF-style: chr6-24865431-G-C. GRCh37 (hg19) VCF-style: chr6-24865659-G-C.
Other names: c.434C>G (NM_014722.4); c.536C>G, p.Ala179Gly (NM_001286446.3); c.434C>G, p.Ala145Gly (NM_001286447.2, NM_001346031.2, NM_001346032.2 and 2 more transcripts); short protein forms A145G, A174G, A179G.
Identifiers: ClinVar variation 509186 (VCV000509186.19), dbSNP rs11967003, ClinGen allele CA3659503.

ClinVar aggregate classification (germline): Benign. Review status: criteria provided, multiple submitters, no conflicts (2 of 4 stars). 5 submissions from 5 submitters: Benign (4). 1 of the submissions does not count toward it. Last evaluated 2026-01-14.

Conditions:
RIPOR2-related disorder. Also called: RIPOR2-related condition.

Allele frequency attached by ClinVar (database versions not stated): gnomAD exomes 0.00411 and 0.00663; ExAC 0.00819; 1000 Genomes Project 0.02117; ESP Exome Variant Server 0.02130; gnomAD 0.02265 and 0.02425; 1000 Genomes Project 30x 0.02311; TOPMed 0.02588.
gnomAD v4.1: 9,616 of 1,611,398 alleles (0.6%); highest among the groups gnomAD compares: African/African-American, 7.4%; 247 homozygotes.

Submissions (13):

Labcorp Genetics (formerly Invitae), Labcorp
Classification: Benign. Last evaluated: 2026-01-14. Review status: criteria provided, single submitter. Criteria: Invitae Variant Classification Sherloc (09022015). Collection method: clinical testing. Allele origin: germline.

Athena Diagnostics
Classification: Benign. Last evaluated: 2019-02-27. Review status: criteria provided, single submitter. Criteria: Athena Diagnostics Criteria. Collection method: clinical testing. Allele origin: germline.

GeneDx
Classification: Benign. Last evaluated: 2017-12-18. Review status: criteria provided, single submitter. Criteria: GeneDx Variant Classification (06012015). Collection method: clinical testing. Allele origin: germline. Affected: yes.
Comment: This variant is considered likely benign or benign based on one or more of the following criteria: it is a conservative change, it occurs at a poorly conserved position in the protein, it is predicted to be benign by multiple in silico algorithms, and/or has population frequency not consistent with disease.

Laboratory for Molecular Medicine, Mass General Brigham Personalized Medicine
Classification: Benign. Last evaluated: 2017-08-23. Review status: criteria provided, single submitter. Criteria: LMM Criteria. Collection method: clinical testing. Allele origin: germline. Observed: 7 variant alleles.
Comment: p.Ala145Gly in exon 7 of FAM65B: This variant is not expected to have clinical s ignificance because it has been identified in 7.46% (666/8926) of African chromo somes by the Exome Aggregation Consortium (ExAC; dbSNP rs11967003).

PreventionGenetics, part of Exact Sciences
Classification: Benign for RIPOR2-related condition. Last evaluated: 2019-07-15. Review status: no assertion criteria provided. Collection method: clinical testing. Allele origin: germline. Not counted in ClinVar's aggregate classification.
Comment: This variant is classified as benign based on ACMG/AMP sequence variant interpretation guidelines (Richards et al. 2015 PMID: 25741868, with internal and published modifications).

Dr. Peter K. Rogan Lab, Western University
No classification provided (evidence only). Condition: Clear cell carcinoma of kidney. Review status: no classification provided. Collection method: in vitro. Allele origin: not applicable. Functional consequence: retained intron. Not counted in ClinVar's aggregate classification.

Dr. Peter K. Rogan Lab, Western University
No classification provided (evidence only). Condition: Acute myeloid leukemia. Review status: no classification provided. Collection method: in vitro. Allele origin: not applicable. Functional consequence: retained intron. Not counted in ClinVar's aggregate classification.

Dr. Peter K. Rogan Lab, Western University
No classification provided (evidence only). Condition: Thyroid cancer, nonmedullary, 1. Review status: no classification provided. Collection method: in vitro. Allele origin: not applicable. Functional consequence: retained intron. Not counted in ClinVar's aggregate classification.

Dr. Peter K. Rogan Lab, Western University
No classification provided (evidence only). Condition: Thyroid cancer, nonmedullary, 1. Review status: no classification provided. Collection method: in vitro. Allele origin: not applicable. Functional consequence: retained intron. Not counted in ClinVar's aggregate classification.

Dr. Peter K. Rogan Lab, Western University
No classification provided (evidence only). Condition: Sarcoma. Review status: no classification provided. Collection method: in vitro. Allele origin: not applicable. Functional consequence: retained intron. Not counted in ClinVar's aggregate classification.

Dr. Peter K. Rogan Lab, Western University
No classification provided (evidence only). Condition: Sarcoma. Review status: no classification provided. Collection method: in vitro. Allele origin: not applicable. Functional consequence: retained intron. Not counted in ClinVar's aggregate classification.

Dr. Peter K. Rogan Lab, Western University
No classification provided (evidence only). Condition: Malignant lymphoma, large B-cell, diffuse. Review status: no classification provided. Collection method: in vitro. Allele origin: not applicable. Functional consequence: retained intron. Not counted in ClinVar's aggregate classification.

Dr. Peter K. Rogan Lab, Western University
No classification provided (evidence only). Condition: Ovarian serous cystadenocarcinoma. Review status: no classification provided. Collection method: in vitro. Allele origin: not applicable. Functional consequence: retained intron. Not counted in ClinVar's aggregate classification.